The following is an entry in ClinVar:

ClinVar aggregate classification (germline): Uncertain significance (1 of 4 stars; one submission).

Conditions:
Dyskeratosis congenita. Identifiers: Orphanet 1775, MedGen C0265965, MONDO:0015780.

Allele frequency attached by ClinVar (database versions not stated): gnomAD exomes below 0.00001; ExAC 0.00001.
gnomAD v4.1: 3 of 1,613,798 alleles (0.00019%); highest among the groups gnomAD compares: South Asian, 0.0011%; no homozygotes.

Submission:

Labcorp Genetics (formerly Invitae), Labcorp
Classification: Uncertain significance for Dyskeratosis congenita. Last evaluated: 2021-05-01. Review status: criteria provided, single submitter. Criteria: Invitae Variant Classification Sherloc (09022015). Collection method: clinical testing. Allele origin: germline.
Comment: In summary, the available evidence is currently insufficient to determine the role of this variant in disease. Therefore, it has been classified as a Variant of Uncertain Significance. Algorithms developed to predict the effect of missense changes on protein structure and function (SIFT, PolyPhen-2, Align-GVGD) all suggest that this variant is likely to be disruptive, but these predictions have not been confirmed by published functional studies and their clinical significance is uncertain. This variant has not been reported in the literature in individuals with NHP2-related conditions. This variant is present in population databases (rs752392516, ExAC 0.006%). This sequence change replaces arginine with cysteine at codon 122 of the NHP2 protein (p.Arg122Cys). The arginine residue is highly conserved and there is a large physicochemical difference between arginine and cysteine.

NM_017838.4(NHP2):c.364C>T (p.Arg122Cys)

Genes: NHP2 (NHP2 ribonucleoprotein; minus strand), RMND5B (required for meiotic nuclear division 5 homolog B; plus strand). Cytogenetic location: 5q35.3.
Variant type: single nucleotide variant.
Coding change: c.364C>T on transcript NM_017838.4 (MANE Select); coding-DNA position 364, C replaced by T.
Protein change: p.Arg122Cys; replaces arginine 122 with cysteine.
Molecular consequence: missense variant. On other transcripts: synonymous variant (2), 3 prime UTR variant (3).
Genome position (GRCh38, 1-based): chr5:178,149,811, G>A on the plus strand (C>T on the coding strand, the complement: NHP2 is on the minus strand). VCF-style: chr5-178149811-G-A. GRCh37 (hg19) VCF-style: chr5-177576812-G-A.
Other names: c.258C>T, p.Ser86= (NM_001034833.2); c.492C>T, p.Ser164= (NM_001396110.1); c.*1779G>A (NM_001288794.2, NM_001288795.2, NM_022762.5); short protein forms R122C.
Identifiers: ClinVar variation 1436804 (VCV001436804.8), dbSNP rs752392516, ClinGen allele CA3589118.